The following is an entry in ClinVar:

ClinVar aggregate classification (germline): Uncertain significance (1 of 4 stars; one submission).

Conditions:
Familial intrahepatic cholestasis. Identifiers: Orphanet 284385, MedGen CN296401, MONDO:0017290.

Submission:

Genomenon, Inc
Classification: Uncertain significance for Familial intrahepatic cholestasis. Last evaluated: 2026-04-14. Review status: criteria provided, single submitter. Criteria: Genomenon Sequence Variant Interpretation Standards - Updated. Collection method: curation. Allele origin: germline. Affected: no.
Comment: ATP8B1 p.Gly308Ala (c.923G>C) is a missense variant that changes the amino acid at residue 308 from Glycine to Alanine. This variant has been reported in the published literature (PMID:37208429). The presence of pathogenic/likely pathogenic missense variant(s) at the same amino acid position indicates that this residue is likely important for protein function. It is absent or not present at a significant frequency in gnomAD. In silico models predict that this variant is possibly or probably damaging. In conclusion, we classify ATP8B1 p.Gly308Ala (c.923G>C) as a variant of uncertain significance.

Literature cited by the submitters: PubMed 37208429.

NM_001374385.1(ATP8B1):c.923G>C (p.Gly308Ala)

Gene: ATP8B1 (ATPase phospholipid transporting 8B1; minus strand). Cytogenetic location: 18q21.31.
Variant type: single nucleotide variant.
Coding change: c.923G>C on transcript NM_001374385.1 (MANE Select); coding-DNA position 923, G replaced by C.
Protein change: p.Gly308Ala; replaces glycine 308 with alanine.
Molecular consequence: missense variant.
Genome position (GRCh38, 1-based): chr18:57,695,188, C>G on the plus strand (G>C on the coding strand, the complement: ATP8B1 is on the minus strand). VCF-style: chr18-57695188-C-G. GRCh37 (hg19) VCF-style: chr18-55362420-C-G.
Other names: c.773G>C, p.Gly258Ala (NM_001374386.1); c.923G>C, p.Gly308Ala (NM_005603.6); short protein forms G258A, G308A.
Identifiers: ClinVar variation 4846078 (VCV004846078.1).